The following is an entry in ClinVar:

NM_004476.3(FOLH1):c.802C>T (p.Leu268Phe)

Gene: FOLH1 (folate hydrolase 1; minus strand). Cytogenetic location: 11p11.12.
Variant type: single nucleotide variant.
Coding change: c.802C>T on transcript NM_004476.3 (MANE Select); coding-DNA position 802, C replaced by T.
Protein change: p.Leu268Phe; replaces leucine 268 with phenylalanine.
Molecular consequence: missense variant. On other transcripts: intron variant (1).
Genome position (GRCh38, 1-based): chr11:49,185,693, G>A on the plus strand (C>T on the coding strand, the complement: FOLH1 is on the minus strand). VCF-style: chr11-49185693-G-A. GRCh37 (hg19) VCF-style: chr11-49207245-G-A.
Other names: c.802C>T, p.Leu268Phe (NM_001014986.3); c.757C>T, p.Leu253Phe (NM_001193471.3, NM_001193472.3); c.631C>T, p.Leu211Phe (NM_001351236.2); c.-99+951C>T (NM_001193473.3); short protein forms L211F, L253F, L268F.
Identifiers: ClinVar variation 2641780 (VCV002641780.24), dbSNP rs140123322, ClinGen allele CA5987012.

ClinVar aggregate classification (germline): Likely benign (1 of 4 stars; one submission).

Allele frequency attached by ClinVar (database versions not stated): 1000 Genomes Project 30x 0.00016; gnomAD 0.00126; ESP Exome Variant Server 0.00169.
gnomAD v4.1: 3,159 of 1,613,784 alleles (0.2%); highest among the groups gnomAD compares: South Asian, 0.24%; 5 homozygotes.

Submission:

CeGaT Center for Human Genetics Tuebingen
Classification: Likely benign. Last evaluated: 2022-12-01. Review status: criteria provided, single submitter. Criteria: CeGaT Center For Human Genetics Tuebingen Variant Classification Criteria Version 2. Collection method: clinical testing. Allele origin: germline. Affected: yes. Observed: 1 variant allele.
Comment: FOLH1: BS2